The following is an entry in ClinVar:

NM_022124.6(CDH23):c.5030G>A (p.Gly1677Asp)

Gene: CDH23 (cadherin related 23; plus strand). Cytogenetic location: 10q22.1.
Variant type: single nucleotide variant.
Coding change: c.5030G>A on transcript NM_022124.6 (MANE Select); coding-DNA position 5030, G replaced by A.
Protein change: p.Gly1677Asp; replaces glycine 1677 with aspartic acid.
Molecular consequence: missense variant.
Genome position (GRCh38, 1-based): chr10:71,777,864, G>A. VCF-style: chr10-71777864-G-A. GRCh37 (hg19) VCF-style: chr10-73537621-G-A.
Other names: p.Gly1677Asp; short protein forms G1677D.
Identifiers: ClinVar variation 1195934 (VCV001195934.5), dbSNP rs1465588529, ClinGen allele CA377140393.

ClinVar aggregate classification (germline): Uncertain significance. Review status: criteria provided, multiple submitters, no conflicts (2 of 4 stars). 4 submissions from 3 submitters: Uncertain significance (4). Last evaluated 2025-11-08.

Conditions:
Autosomal recessive nonsyndromic hearing loss 12. Also called: DEAFNESS, AUTOSOMAL RECESSIVE 12. Identifiers: Orphanet 90636, MedGen C1832394, MONDO:0011067, OMIM 601386.
Usher syndrome type 1D (USH1D). Also called: USHER SYNDROME, TYPE ID. Identifiers: Orphanet 231169, Orphanet 886, MedGen C1832845, MONDO:0010984, OMIM 601067.

Allele frequency attached by ClinVar (database versions not stated): gnomAD 0.00001; gnomAD exomes 0.00001 and 0.00002; TOPMed 0.00001.
gnomAD v4.1: 29 of 1,613,808 alleles (0.0018%); highest among the groups gnomAD compares: Non-Finnish European, 0.0022%; no homozygotes.

Submissions (4):

Labcorp Genetics (formerly Invitae), Labcorp
Classification: Uncertain significance. Last evaluated: 2025-11-08. Review status: criteria provided, single submitter. Criteria: Invitae Variant Classification Sherloc (09022015). Collection method: clinical testing. Allele origin: germline.
Comment: This sequence change replaces glycine, which is neutral and non-polar, with aspartic acid, which is acidic and polar, at codon 1677 of the CDH23 protein (p.Gly1677Asp). This variant is present in population databases (no rsID available, gnomAD 0.002%). This variant has not been reported in the literature in individuals affected with CDH23-related conditions. ClinVar contains an entry for this variant (Variation ID: 1195934). Invitae Evidence Modeling of protein sequence and biophysical properties (such as structural, functional, and spatial information, amino acid conservation, physicochemical variation, residue mobility, and thermodynamic stability) has been performed for this missense variant. However, the output from this modeling did not meet the statistical confidence thresholds required to predict the impact of this variant on CDH23 protein function. In summary, the available evidence is currently insufficient to determine the role of this variant in disease. Therefore, it has been classified as a Variant of Uncertain Significance.

Mayo Clinic Laboratories, Mayo Clinic
Classification: Uncertain significance. Last evaluated: 2022-03-15. Review status: criteria provided, single submitter. Criteria: ACMG Guidelines, 2015. Collection method: clinical testing. Allele origin: germline. Observed: 1 variant allele.
Comment: PM2

Genome-Nilou Lab
Classification: Uncertain significance for Autosomal recessive nonsyndromic hearing loss 12. Last evaluated: 2021-07-14. Review status: criteria provided, single submitter. Criteria: ACMG Guidelines, 2015. Collection method: clinical testing. Allele origin: germline. Affected: no.

Genome-Nilou Lab
Classification: Uncertain significance for Usher syndrome type 1D. Last evaluated: 2021-07-14. Review status: criteria provided, single submitter. Criteria: ACMG Guidelines, 2015. Collection method: clinical testing. Allele origin: germline. Affected: no.